The following is an entry in ClinVar:

NM_000551.4(VHL):c.463+7A>G

Genes: VHL (von Hippel-Lindau tumor suppressor; plus strand), LOC107303340 (3p25 von Hippel-Lindau tumor suppressor, E3 ubiquitin protein ligase Alu-mediated recombination region; plus strand). Cytogenetic location: 3p25.3.
Variant type: single nucleotide variant.
Coding change: c.463+7A>G on transcript NM_000551.4 (MANE Select); 7 bases into the intron after coding-DNA position 463, A replaced by G.
Molecular consequence: intron variant.
Genome position (GRCh38, 1-based): chr3:10,146,643, A>G. VCF-style: chr3-10146643-A-G. GRCh37 (hg19) VCF-style: chr3-10188327-A-G.
Other names: c.*18-3144A>G (NM_001354723.2); c.341-3144A>G (NM_198156.3).
Identifiers: ClinVar variation 4071242 (VCV004071242.1).
Genomic context (GRCh38, chr3:10,146,643, plus strand): 5'-TGCCATCTCTCAATGTTGACGGACAGCCTATTTTTGCCAATATCACACTGCCAGGTACTG[A>G]CGTTTTACTTTTTAAAAAGATAAGGTTGTTGTGGTAAGTACAGGATAGACCACTTGAAAA-3'

ClinVar aggregate classification (germline): Likely benign (1 of 4 stars; one submission).

Conditions:
Von Hippel-Lindau syndrome (VHLS). Also called: Von Hippel-Lindau; von Hippel–Lindau syndrome; VHL syndrome. Identifiers: Orphanet 892, MedGen C0019562, MONDO:0008667, OMIM 193300. Disease mechanism: loss of function.

Submission:

Myriad Genetics, Inc.
Classification: Likely benign for Von Hippel-Lindau syndrome. Last evaluated: 2025-06-12. Review status: criteria provided, single submitter. Criteria: Myriad Autosomal Dominant, Autosomal Recessive and X-Linked Classification Criteria (2023). Collection method: clinical testing. Allele origin: unknown.
Comment: This variant is considered likely benign. This variant is intronic and is not expected to impact mRNA splicing.